The following is an entry in ClinVar:

ClinVar aggregate classification (germline): Likely pathogenic (1 of 4 stars; one submission).

Conditions:
Breast-ovarian cancer, familial, susceptibility to, 4. Identifiers: Orphanet 145, MedGen C3280345, MONDO:0013669, OMIM 614291.

Submission:

Labcorp Genetics (formerly Invitae), Labcorp
Classification: Likely pathogenic for Breast-ovarian cancer, familial, susceptibility to, 4. Last evaluated: 2021-09-14. Review status: criteria provided, single submitter. Criteria: Invitae Variant Classification Sherloc (09022015). Collection method: clinical testing. Allele origin: germline.
Comment: This variant is a gross deletion of the genomic region encompassing exon(s) 10 of the RAD51D gene, which includes the termination codon. This deletion extends beyond the assayed region for this gene and therefore may encompass additional genes. While this deletion is not anticipated to lead to nonsense mediated decay, it is expected to alter mRNA translation or result in a truncated protein product. A similar copy number variant has been observed in individual(s) with breast cancer (PMID: 26681312). This variant disrupts the ATPase domain and RAD51C interaction domain of the RAD51D protein, which are necessary for the DNA repair activity (PMID: 14704354, 19327148, 21111057, 10749867). While functional studies have not been performed to directly test the effect of this variant on RAD51D protein function, this suggests that disruption of this region of the protein is causative of disease. In summary, the currently available evidence indicates that the variant is pathogenic, but additional data are needed to prove that conclusively. Therefore, this variant has been classified as Likely Pathogenic.

Literature cited by the submitters: PubMed 26681312; PubMed 14704354; PubMed 19327148; PubMed 21111057; PubMed 10749867.

NC_000017.10:g.(?_33427972)_(33428065_?)del

Gene: RAD51D (RAD51 paralog D; minus strand). Cytogenetic location: 17q12.
Variant type: Deletion.
Identifiers: ClinVar variation 2424556 (VCV002424556.1).